The following is an entry in ClinVar:

ClinVar aggregate classification (germline): Uncertain significance (1 of 4 stars; one submission).

Submission:

GeneDx
Classification: Uncertain significance. Last evaluated: 2023-06-28. Review status: criteria provided, single submitter. Criteria: GeneDx Variant Classification Process June 2021. Collection method: clinical testing. Allele origin: germline.
Comment: Not observed at significant frequency in large population cohorts (gnomAD); In silico analysis supports that this missense variant has a deleterious effect on protein structure/function; Has not been previously published as pathogenic or benign to our knowledge

NM_007118.4(TRIO):c.2935C>A (p.His979Asn)

Gene: TRIO (trio Rho guanine nucleotide exchange factor; plus strand). Cytogenetic location: 5p15.2.
Variant type: single nucleotide variant.
Coding change: c.2935C>A on transcript NM_007118.4 (MANE Select); coding-DNA position 2935, C replaced by A.
Protein change: p.His979Asn; replaces histidine 979 with asparagine.
Molecular consequence: missense variant. On other transcripts: non-coding transcript variant (1).
Genome position (GRCh38, 1-based): chr5:14,368,768, C>A. VCF-style: chr5-14368768-C-A. GRCh37 (hg19) VCF-style: chr5-14368877-C-A.
Other names: short protein forms H979N.
Identifiers: ClinVar variation 1698342 (VCV001698342.3), dbSNP rs1358386000, ClinGen allele CA359215359.